The following is an entry in ClinVar:

NM_019109.5(ALG1):c.47_58dup (p.Pro16_Leu19dup)

Genes: ALG1 (ALG1 chitobiosyldiphosphodolichol beta-mannosyltransferase; plus strand), LOC130058383 (ATAC-STARR-seq lymphoblastoid active region 10348; plus strand). Cytogenetic location: 16p13.3.
Variant type: Duplication.
Coding change: c.47_58dup on transcript NM_019109.5 (MANE Select); coding-DNA positions 47 to 58, 12 bases duplicated (CGCTGCTGCTGC).
Protein change: p.Pro16_Leu19dup.
Molecular consequence: inframe insertion.
Genome position (GRCh38, 1-based): chr16:5,071,896-5,071,907, CGCTGCTGCTGC duplicated; duplicating any 12 consecutive bases within chr16:5,071,886-5,071,907 gives the same sequence; the c. name uses the placement nearest the transcript's 3' end. VCF-style (leftmost placement, unchanged base first): chr16-5071885-T-TCTGCTGCTGCCG. GRCh37 (hg19) VCF-style: chr16-5121886-T-TCTGCTGCTGCCG.
Identifiers: ClinVar variation 1469223 (VCV001469223.5), dbSNP rs1414667961, ClinGen allele CA620717976.

ClinVar aggregate classification (germline): Uncertain significance (1 of 4 stars; one submission).

Conditions:
ALG1-congenital disorder of glycosylation. Also called: CONGENITAL DISORDER OF GLYCOSYLATION, TYPE Ik; CDG Ik; ALG1-CDG. Identifiers: Orphanet 79327, MedGen C2931005, MONDO:0012052, OMIM 608540.

Submission:

Labcorp Genetics (formerly Invitae), Labcorp
Classification: Uncertain significance for ALG1-congenital disorder of glycosylation. Last evaluated: 2021-08-13. Review status: criteria provided, single submitter. Criteria: Invitae Variant Classification Sherloc (09022015). Collection method: clinical testing. Allele origin: germline.
Comment: This variant, c.47_58dup, results in the insertion of 4 amino acid(s) to the ALG1 protein (p.Pro16_Leu19dup), but otherwise preserves the integrity of the reading frame. This variant is not present in population databases (ExAC no frequency). This variant has not been reported in the literature in individuals affected with ALG1-related conditions. Experimental studies and prediction algorithms are not available or were not evaluated, and the functional significance of this variant is currently unknown. In summary, the available evidence is currently insufficient to determine the role of this variant in disease. Therefore, it has been classified as a Variant of Uncertain Significance.